The following is an entry in ClinVar:

NM_000091.5(COL4A3):c.2801G>C (p.Gly934Ala)

Genes: COL4A3 (collagen type IV alpha 3 chain; plus strand), MFF-DT (MFF divergent transcript; minus strand). Cytogenetic location: 2q36.3.
Variant type: single nucleotide variant.
Coding change: c.2801G>C on transcript NM_000091.5 (MANE Select); coding-DNA position 2801, G replaced by C.
Protein change: p.Gly934Ala; replaces glycine 934 with alanine.
Molecular consequence: missense variant.
Genome position (GRCh38, 1-based): chr2:227,284,265, G>C. VCF-style: chr2-227284265-G-C. GRCh37 (hg19) VCF-style: chr2-228148981-G-C.
Other names: short protein forms G934A.
Identifiers: ClinVar variation 1480356 (VCV001480356.6), dbSNP rs2106174926, ClinGen allele CA350851984.

ClinVar aggregate classification (germline): Likely pathogenic (1 of 4 stars; one submission).

Allele frequency attached by ClinVar (database versions not stated): gnomAD exomes below 0.00001.
gnomAD v4.1: 2 of 1,614,102 alleles (0.00012%); highest among the groups gnomAD compares: Non-Finnish European, 0.00017%; no homozygotes.

Submission:

Labcorp Genetics (formerly Invitae), Labcorp
Classification: Likely pathogenic. Last evaluated: 2021-09-30. Review status: criteria provided, single submitter. Criteria: Invitae Variant Classification Sherloc (09022015). Collection method: clinical testing. Allele origin: germline.
Comment: This variant is not present in population databases (ExAC no frequency). This sequence change replaces glycine with alanine at codon 934 of the COL4A3 protein (p.Gly934Ala). The glycine residue is highly conserved and there is a small physicochemical difference between glycine and alanine. This variant has not been reported in the literature in individuals affected with COL4A3-related conditions. In summary, the currently available evidence indicates that the variant is pathogenic, but additional data are needed to prove that conclusively. Therefore, this variant has been classified as Likely Pathogenic. This variant disrupts the p.Gly934 amino acid residue in COL4A3. Other variant(s) that disrupt this residue have been determined to be pathogenic (PMID: 32203225; Invitae). This suggests that this residue is clinically significant, and that variants that disrupt this residue are likely to be disease-causing. Advanced modeling of protein sequence and biophysical properties (such as structural, functional, and spatial information, amino acid conservation, physicochemical variation, residue mobility, and thermodynamic stability) performed at Invitae indicates that this missense variant is expected to disrupt COL4A3 protein function.

Literature cited by the submitters: PubMed 32203225.